The following is an entry in ClinVar:

ClinVar aggregate classification (germline): Uncertain significance (1 of 4 stars; one submission).

Conditions:
Inborn genetic diseases. Identifiers: MedGen C0950123, MeSH D030342.

Submission:

Ambry Genetics
Classification: Uncertain significance for Inborn genetic diseases. Last evaluated: 2025-05-17. Review status: criteria provided, single submitter. Criteria: Ambry Variant Classification Scheme 2023. Collection method: clinical testing. Allele origin: germline.
Comment: The p.L494P variant (also known as c.1481T>C), located in coding exon 8 of the MECOM gene, results from a T to C substitution at nucleotide position 1481. The leucine at codon 494 is replaced by proline, an amino acid with similar properties. This amino acid position is conserved. In addition, the in silico prediction for this alteration is inconclusive. Based on the available evidence, the clinical significance of this variant remains unclear.

NM_004991.4(MECOM):c.1481T>C (p.Leu494Pro)

Gene: MECOM (MDS1 and EVI1 complex locus; minus strand). Cytogenetic location: 3q26.2.
Variant type: single nucleotide variant.
Coding change: c.1481T>C on transcript NM_004991.4 (MANE Select); coding-DNA position 1481, T replaced by C.
Protein change: p.Leu494Pro; replaces leucine 494 with proline.
Molecular consequence: missense variant. On other transcripts: intron variant (2).
Genome position (GRCh38, 1-based): chr3:169,116,391, A>G on the plus strand (T>C on the coding strand, the complement: MECOM is on the minus strand). VCF-style: chr3-169116391-A-G. GRCh37 (hg19) VCF-style: chr3-168834179-A-G.
Other names: c.1112T>C, p.Leu371Pro (NM_001105077.4); c.917T>C, p.Leu306Pro (NM_001105078.4, NM_001164000.2, NM_001205194.2 and 4 more transcripts); c.920T>C, p.Leu307Pro (NM_001163999.2, NM_001366467.2, NM_001366468.2 and 1 more transcripts); c.1481T>C, p.Leu494Pro (NM_001366466.2); c.1133-624T>C (NM_001366473.2); c.569-624T>C (NM_001366474.2); short protein forms L307P, L371P, L306P, L494P.
Identifiers: ClinVar variation 4053257 (VCV004053257.1).
Genomic context (GRCh38, chr3:169,116,391, plus strand): 5'-CCTTTAACAGGAGAACTAGCAGGTATCAAAGGAGGCCTGTGGTACAAGCCGGAAGGAAAC[A>G]GACCAGGGAAGCTAAAAGAAAATCCAGGAGCTGTTGGAAAGGTAAGACCAGCAGGATGCC-3'
Protein context (NP_004982.2, residues 484-504): APGFSFSFPG[Leu494Pro]FPSGLYHRPP